The following is an entry in ClinVar:

NM_000548.5(TSC2):c.708_765del (p.Pro237fs)

Gene: TSC2 (TSC complex subunit 2; plus strand). Cytogenetic location: 16p13.3.
Variant type: Deletion.
Coding change: c.708_765del on transcript NM_000548.5 (MANE Select); coding-DNA positions 708 to 765, 58 bases deleted.
Protein change: p.Pro237fs; shifts the reading frame from proline 237.
Molecular consequence: frameshift variant.
Genome position (GRCh38, 1-based): chr16:2,056,703-2,056,760, 58 bases deleted. GRCh37 (hg19): chr16:2,106,704-2,106,761.
Other names: c.708_765del, p.Pro237fs (NM_001114382.3, NM_001363528.2, NM_001370404.1 and 3 more transcripts); c.597_654del, p.Pro200fs (NM_001318827.2); c.561_618del, p.Pro188fs (NM_001318829.2); c.108_165del, p.Pro37fs (NM_001318831.2); c.741_798del, p.Pro248fs (NM_001318832.2); short protein forms P188fs, P200fs, P237fs, P248fs, P37fs.
Identifiers: ClinVar variation 1677251 (VCV001677251.1), dbSNP rs2151079297, ClinGen allele CA2573151819.

ClinVar aggregate classification (germline): Likely pathogenic (0 of 4 stars; one submission).

Conditions:
Tuberous sclerosis 2 (TSC2). Identifiers: Orphanet 805, MedGen C1860707, MONDO:0013199, OMIM 613254.

Submission:

Gemeinschaftspraxis fuer Humangenetik Dresden
Classification: Likely pathogenic for Tuberous sclerosis 2. Last evaluated: 2021-09-02. Review status: no assertion criteria provided. Collection method: clinical testing. Allele origin: germline. Inheritance: Autosomal dominant inheritance. Affected: yes.
Comment: This mutation c.708_765del, p.(Pro237Alafs*4) is not reported in HGMD 2021.2, gnomAD (v2.1.1), dbSNP (v151) or LOVD. In summary, the mutation meets our criteria to be classified as likely pathogenic. ACMG: PVS1, PM2